The following is an entry in ClinVar:

ClinVar aggregate classification (germline): Uncertain significance (1 of 4 stars; one submission).

Conditions:
Hereditary cancer-predisposing syndrome. Also called: Neoplastic Syndromes, Hereditary; Tumor predisposition; Hereditary neoplastic syndrome; Hereditary Cancer Syndrome. Identifiers: Orphanet 140162, MedGen C0027672, MeSH D009386, MONDO:0015356.

Submission:

Labcorp Genetics (formerly Invitae), Labcorp
Classification: Uncertain significance for Hereditary cancer-predisposing syndrome. Last evaluated: 2021-03-23. Review status: criteria provided, single submitter. Criteria: Invitae Variant Classification Sherloc (09022015). Collection method: clinical testing. Allele origin: germline.
Comment: This variant has not been reported in the literature in individuals with RAD50-related conditions. This variant is not present in population databases (ExAC no frequency). This sequence change replaces methionine with leucine at codon 1108 of the RAD50 protein (p.Met1108Leu). The methionine residue is moderately conserved and there is a small physicochemical difference between methionine and leucine. Algorithms developed to predict the effect of missense changes on protein structure and function output the following: SIFT: "Tolerated"; PolyPhen-2: "Benign"; Align-GVGD: "Class C0". The leucine amino acid residue is found in multiple mammalian species, suggesting that this missense change does not adversely affect protein function. These predictions have not been confirmed by published functional studies and their clinical significance is uncertain. In summary, the available evidence is currently insufficient to determine the role of this variant in disease. Therefore, it has been classified as a Variant of Uncertain Significance.

NM_005732.4(RAD50):c.3322A>T (p.Met1108Leu)

Gene: RAD50 (RAD50 double strand break repair protein; plus strand). Cytogenetic location: 5q31.1.
Variant type: single nucleotide variant.
Coding change: c.3322A>T on transcript NM_005732.4 (MANE Select); coding-DNA position 3322, A replaced by T.
Protein change: p.Met1108Leu; replaces methionine 1108 with leucine.
Molecular consequence: missense variant.
Genome position (GRCh38, 1-based): chr5:132,618,227, A>T. VCF-style: chr5-132618227-A-T. GRCh37 (hg19) VCF-style: chr5-131953919-A-T.
Other names: short protein forms M1108L.
Identifiers: ClinVar variation 1352232 (VCV001352232.8), dbSNP rs748372518, ClinGen allele CA360964864.
Genomic context (GRCh38, chr5:132,618,227, plus strand): 5'-TTTAAGAAAGAACTTCGAGAACCACAATTTCGGGATGCTGAGGAAAAGTATAGAGAAATG[A>T]TGATTGTTATGAGGACAACAGAACTTGTGAACAAGGATCTGGATATTTATTATAAGACTC-3'
Protein context (NP_005723.2, residues 1098-1118): RDAEEKYREM[Met1108Leu]IVMRTTELVN